The following is an entry in ClinVar:

ClinVar aggregate classification (germline): Uncertain significance (1 of 4 stars; one submission).

gnomAD v4.1: 17 of 1,612,422 alleles (0.0011%); highest among the groups gnomAD compares: Non-Finnish European, 0.0013%; no homozygotes.

Submission:

Labcorp Genetics (formerly Invitae), Labcorp
Classification: Uncertain significance. Last evaluated: 2025-10-09. Review status: criteria provided, single submitter. Criteria: Invitae Variant Classification Sherloc (09022015). Collection method: clinical testing. Allele origin: germline.
Comment: This sequence change falls in intron 11 of the MKL1 gene. It does not directly change the encoded amino acid sequence of the MKL1 protein. It affects a nucleotide within the consensus splice site. This variant is not present in population databases (gnomAD no frequency). This variant has not been reported in the literature in individuals affected with MKL1-related conditions. ClinVar contains an entry for this variant (Variation ID: 3687590). Variants that disrupt the consensus splice site are a relatively common cause of aberrant splicing (PMID: 17576681, 9536098). Algorithms developed to predict the effect of sequence changes on RNA splicing suggest that this variant is not likely to affect RNA splicing. In summary, the available evidence is currently insufficient to determine the role of this variant in disease. Therefore, it has been classified as a Variant of Uncertain Significance.

Literature cited by the submitters: PubMed 17576681; PubMed 9536098.

NM_020831.6(MRTFA):c.1353+4C>T

Gene: MRTFA (myocardin related transcription factor A; minus strand). Cytogenetic location: 22q13.1.
Variant type: single nucleotide variant.
Coding change: c.1353+4C>T on transcript NM_020831.6 (MANE Select); 4 bases into the intron after coding-DNA position 1353, C replaced by T.
Molecular consequence: intron variant.
Genome position (GRCh38, 1-based): chr22:40,420,401, G>A on the plus strand (C>T on the coding strand, the complement: MRTFA is on the minus strand). VCF-style: chr22-40420401-G-A. GRCh37 (hg19) VCF-style: chr22-40816405-G-A.
Other names: c.1353+4C>T (NM_001282662.3); c.1158+4C>T (NM_001318139.2); c.1053+4C>T (NM_001282660.2); c.1203+4C>T (NM_001282661.3).
Identifiers: ClinVar variation 3687590 (VCV003687590.2).